The following is an entry in ClinVar:

NM_003873.7(NRP1):c.896C>T (p.Thr299Ile)

Gene: NRP1 (neuropilin 1; minus strand). Cytogenetic location: 10p11.22.
Variant type: single nucleotide variant.
Coding change: c.896C>T on transcript NM_003873.7 (MANE Select); coding-DNA position 896, C replaced by T.
Protein change: p.Thr299Ile; replaces threonine 299 with isoleucine.
Molecular consequence: missense variant. On other transcripts: non-coding transcript variant (1).
Genome position (GRCh38, 1-based): chr10:33,254,113, G>A on the plus strand (C>T on the coding strand, the complement: NRP1 is on the minus strand). VCF-style: chr10-33254113-G-A. GRCh37 (hg19) VCF-style: chr10-33543041-G-A.
Other names: c.896C>T, p.Thr299Ile (NM_001024628.3, NM_001024629.3, NM_001244972.2 and 2 more transcripts); short protein forms T299I.
Identifiers: ClinVar variation 3357062 (VCV003357062.1).

ClinVar aggregate classification (germline): Uncertain significance (0 of 4 stars; one submission).

Conditions:
NRP1-related disorder. Also called: NRP1-related condition.

gnomAD v4.1: 8 of 1,613,770 alleles (0.0005%); highest among the groups gnomAD compares: African/African-American, 0.0067%; no homozygotes.

Submission:

PreventionGenetics, part of Exact Sciences
Classification: Uncertain significance for NRP1-related condition. Last evaluated: 2024-06-28. Review status: no assertion criteria provided. Collection method: clinical testing. Allele origin: germline.
Comment: The NRP1 c.896C>T variant is predicted to result in the amino acid substitution p.Thr299Ile. To our knowledge, this variant has not been reported in the literature. This variant is reported in 0.0080% of alleles in individuals of African descent in gnomAD. At this time, the clinical significance of this variant is uncertain due to the absence of conclusive functional and genetic evidence.